The following is an entry in ClinVar:

ClinVar aggregate classification (germline): Uncertain significance (1 of 4 stars; one submission).

Allele frequency attached by ClinVar (database versions not stated): gnomAD 0.00003; ExAC 0.00002.
gnomAD v4.1: 209 of 1,613,918 alleles (0.013%); highest among the groups gnomAD compares: Non-Finnish European, 0.017%; no homozygotes.

Submission:

Labcorp Genetics (formerly Invitae), Labcorp
Classification: Uncertain significance. Last evaluated: 2022-06-21. Review status: criteria provided, single submitter. Criteria: Invitae Variant Classification Sherloc (09022015). Collection method: clinical testing. Allele origin: germline.
Comment: In summary, the available evidence is currently insufficient to determine the role of this variant in disease. Therefore, it has been classified as a Variant of Uncertain Significance. Algorithms developed to predict the effect of missense changes on protein structure and function (SIFT, PolyPhen-2, Align-GVGD) all suggest that this variant is likely to be disruptive. This variant has not been reported in the literature in individuals affected with BLK-related conditions. This variant is present in population databases (rs779113789, gnomAD 0.004%). This sequence change replaces proline, which is neutral and non-polar, with arginine, which is basic and polar, at codon 191 of the BLK protein (p.Pro191Arg).

NM_001715.3(BLK):c.572C>G (p.Pro191Arg)

Genes: BLK (BLK proto-oncogene, Src family tyrosine kinase), BLK-AS1 (BLK antisense RNA 1). Cytogenetic location: 8p23.1.
Variant type: single nucleotide variant.
Coding change: c.572C>G on transcript NM_001715.3 (MANE Select); coding-DNA position 572, C replaced by G.
Protein change: p.Pro191Arg; replaces proline 191 with arginine.
Molecular consequence: missense variant.
Genome position (GRCh38, 1-based): chr8:11,554,842, C>G. VCF-style: chr8-11554842-C-G. GRCh37 (hg19) VCF-style: chr8-11412351-C-G.
Other names: c.359C>G, p.Pro120Arg (NM_001330465.2); short protein forms P120R, P191R.
Identifiers: ClinVar variation 2076024 (VCV002076024.4), dbSNP rs779113789, ClinGen allele CA4629962.
Genomic context (GRCh38, chr8:11,554,842, plus strand): 5'-GGGAGCTGATCAAGCACTATAAGATCCGCTGCCTGGATGAAGGGGGCTACTACATCTCCC[C>G]CCGGATCACCTTCCCCTCGCTCCAGGCCCTGGTGCAGCACTATTCTAGTAAGAGGGGGCG-3'
Protein context (NP_001706.2, residues 181-201): CLDEGGYYIS[Pro191Arg]RITFPSLQAL